The following is an entry in ClinVar:

ClinVar aggregate classification (germline): Uncertain significance (1 of 4 stars; one submission).

Submission:

GeneDx
Classification: Uncertain significance. Last evaluated: 2022-03-25. Review status: criteria provided, single submitter. Criteria: GeneDx Variant Classification Process June 2021. Collection method: clinical testing. Allele origin: germline. Affected: yes.
Comment: Not observed at significant frequency in large population cohorts (gnomAD); Frameshift variant predicted to result in protein truncation or nonsense mediated decay in a gene or region of a gene for which loss of function is not a well-established mechanism of disease; Has not been previously published as pathogenic or benign to our knowledge

NM_000243.3(MEFV):c.505del (p.Leu169fs)

Gene: MEFV (MEFV innate immunity regulator, pyrin; minus strand). Cytogenetic location: 16p13.3.
Variant type: Deletion.
Coding change: c.505del on transcript NM_000243.3 (MANE Select); coding-DNA position 505, one base deleted (C; older notation c.505delC).
Protein change: p.Leu169fs; shifts the reading frame from leucine 169.
Molecular consequence: frameshift variant. On other transcripts: intron variant (1).
Genome position (GRCh38, 1-based): chr16:3,254,563, G deleted on the plus strand (C on the coding strand, the reverse complement: MEFV is on the minus strand); the first of 2 consecutive G bases (chr16:3,254,563-3,254,564); deleting either gives the same sequence. VCF-style (leftmost placement, unchanged base first): chr16-3254562-AG-A. GRCh37 (hg19) VCF-style: chr16-3304562-AG-A.
Other names: c.504delC, p.Leu169Trpfs (NM_000243.2); c.277+1748del (NM_001198536.2); short protein forms L169fs.
Identifiers: ClinVar variation 1707035 (VCV001707035.2), dbSNP rs2543156616, ClinGen allele CA2580091067.